The following is an entry in ClinVar:

ClinVar aggregate classification (germline): Uncertain significance (1 of 4 stars; one submission).

Submission:

Labcorp Genetics (formerly Invitae), Labcorp
Classification: Uncertain significance. Last evaluated: 2024-06-30. Review status: criteria provided, single submitter. Criteria: Invitae Variant Classification Sherloc (09022015). Collection method: clinical testing. Allele origin: germline.
Comment: This sequence change replaces alanine, which is neutral and non-polar, with valine, which is neutral and non-polar, at codon 140 of the IRF2BP2 protein (p.Ala140Val). This variant is not present in population databases (gnomAD no frequency). This variant has not been reported in the literature in individuals affected with IRF2BP2-related conditions. An algorithm developed to predict the effect of missense changes on protein structure and function (PolyPhen-2) suggests that this variant is likely to be tolerated. In summary, the available evidence is currently insufficient to determine the role of this variant in disease. Therefore, it has been classified as a Variant of Uncertain Significance.

NM_182972.3(IRF2BP2):c.419C>T (p.Ala140Val)

Genes: IRF2BP2 (interferon regulatory factor 2 binding protein 2; minus strand), LOC129932812 (ATAC-STARR-seq lymphoblastoid silent region 1977; plus strand). Cytogenetic location: 1q42.3.
Variant type: single nucleotide variant.
Coding change: c.419C>T on transcript NM_182972.3 (MANE Select); coding-DNA position 419, C replaced by T.
Protein change: p.Ala140Val; replaces alanine 140 with valine.
Molecular consequence: missense variant.
Genome position (GRCh38, 1-based): chr1:234,609,076, G>A on the plus strand (C>T on the coding strand, the complement: IRF2BP2 is on the minus strand). VCF-style: chr1-234609076-G-A. GRCh37 (hg19) VCF-style: chr1-234744822-G-A.
Other names: c.419C>T, p.Ala140Val (NM_001077397.1); short protein forms A140V.
Identifiers: ClinVar variation 3695197 (VCV003695197.2).
Genomic context (GRCh38, chr1:234,609,076, plus strand): 5'-TTGGGCACCAGGATGCCGTTCACGGGCGGCGGCTGCGGCGTCGGCGGCTGGGCCAGGCTC[G>A]CTGCCGGGCGGCTGCTGCCGAAGTCAGAGCCGAGGCGCGGGGGCCTCTCGGCCGCGGCCG-3'
Protein context (NP_892017.2, residues 130-150): GSDFGSSRPA[Ala140Val]SLAQPPTPQP